The following is an entry in ClinVar:

ClinVar aggregate classification (germline): Uncertain significance (1 of 4 stars; one submission).

Submission:

Labcorp Genetics (formerly Invitae), Labcorp
Classification: Uncertain significance. Last evaluated: 2023-10-03. Review status: criteria provided, single submitter. Criteria: Invitae Variant Classification Sherloc (09022015). Collection method: clinical testing. Allele origin: germline.
Comment: This sequence change replaces lysine, which is basic and polar, with arginine, which is basic and polar, at codon 494 of the SCN3A protein (p.Lys494Arg). This variant is not present in population databases (gnomAD no frequency). This variant has not been reported in the literature in individuals affected with SCN3A-related conditions. Advanced modeling of protein sequence and biophysical properties (such as structural, functional, and spatial information, amino acid conservation, physicochemical variation, residue mobility, and thermodynamic stability) performed at Invitae indicates that this missense variant is not expected to disrupt SCN3A protein function. In summary, the available evidence is currently insufficient to determine the role of this variant in disease. Therefore, it has been classified as a Variant of Uncertain Significance.

NM_006922.4(SCN3A):c.1481A>G (p.Lys494Arg)

Gene: SCN3A (sodium voltage-gated channel alpha subunit 3; minus strand). Cytogenetic location: 2q24.3.
Variant type: single nucleotide variant.
Coding change: c.1481A>G on transcript NM_006922.4 (MANE Select); coding-DNA position 1481, A replaced by G.
Protein change: p.Lys494Arg; replaces lysine 494 with arginine.
Molecular consequence: missense variant.
Genome position (GRCh38, 1-based): chr2:165,146,929, T>C on the plus strand (A>G on the coding strand, the complement: SCN3A is on the minus strand). VCF-style: chr2-165146929-T-C. GRCh37 (hg19) VCF-style: chr2-166003439-T-C.
Other names: c.1481A>G, p.Lys494Arg (NM_001081676.2, NM_001081677.2); short protein forms K494R.
Identifiers: ClinVar variation 2754772 (VCV002754772.3), dbSNP rs2468363526, ClinGen allele CA349236668.